The following is an entry in ClinVar:

NM_001013703.4(EIF2AK4):c.2058G>A (p.Pro686=)

Gene: EIF2AK4 (eukaryotic translation initiation factor 2 alpha kinase 4; plus strand). Cytogenetic location: 15q15.1.
Variant type: single nucleotide variant.
Coding change: c.2058G>A on transcript NM_001013703.4 (MANE Select); coding-DNA position 2058, G replaced by A.
Protein change: p.Pro686=; no amino-acid change (proline 686 retained).
Molecular consequence: synonymous variant.
Genome position (GRCh38, 1-based): chr15:39,976,653, G>A. VCF-style: chr15-39976653-G-A. GRCh37 (hg19) VCF-style: chr15-40268854-G-A.
Identifiers: ClinVar variation 718584 (VCV000718584.30), dbSNP rs183711630, ClinGen allele CA7473911.

ClinVar aggregate classification (germline): Benign/Likely benign. Review status: criteria provided, multiple submitters, no conflicts (2 of 4 stars). 5 submissions from 5 submitters: Benign (2); Likely benign (3). Last evaluated 2026-07-01.

Conditions:
Familial pulmonary capillary hemangiomatosis (PVOD2). Also called: Pulmonary venoocclusive disease 2, autosomal recessive; Pulmonary venoocclusive disease 2. Identifiers: Orphanet 199241, MedGen C0340848, MONDO:0009329, OMIM 234810.

Allele frequency attached by ClinVar (database versions not stated): TOPMed 0.00255; ESP Exome Variant Server 0.00306; 1000 Genomes Project 30x 0.00312; 1000 Genomes Project 0.00339; gnomAD exomes 0.00495 and 0.00592; ExAC 0.00529; gnomAD 0.00614 and 0.00626.

Submissions (5):

CeGaT Center for Human Genetics Tuebingen
Classification: Likely benign. Last evaluated: 2026-07-01. Review status: criteria provided, single submitter. Criteria: CeGaT Center For Human Genetics Tuebingen Variant Classification Criteria Version 2. Collection method: clinical testing. Allele origin: germline. Affected: yes. Observed: 2 variant alleles.
Comment: EIF2AK4: BP4, BP7

Labcorp Genetics (formerly Invitae), Labcorp
Classification: Benign. Last evaluated: 2026-01-28. Review status: criteria provided, single submitter. Criteria: Invitae Variant Classification Sherloc (09022015). Collection method: clinical testing. Allele origin: germline.

ARUP Laboratories, Molecular Genetics and Genomics, ARUP Laboratories
Classification: Benign for Familial pulmonary capillary hemangiomatosis. Last evaluated: 2024-12-07. Review status: criteria provided, single submitter. Criteria: ARUP Molecular Germline Variant Investigation Process 2024. Collection method: clinical testing. Allele origin: germline.

Blueprint Genetics
Classification: Likely benign. Last evaluated: 2024-11-25. Review status: criteria provided, single submitter. Criteria: ACMG Guidelines, 2015. Collection method: clinical testing. Allele origin: germline.

Breakthrough Genomics
Classification: Likely benign. Review status: criteria provided, single submitter. Criteria: ACMG Guidelines, 2015. Collection method: not provided. Allele origin: germline. Inheritance: Autosomal recessive inheritance. Affected: yes.